The following is an entry in ClinVar:

NM_006361.6(HOXB13):c.159G>T (p.Leu53=)

Gene: HOXB13 (homeobox B13; minus strand). Cytogenetic location: 17q21.32.
Variant type: single nucleotide variant.
Coding change: c.159G>T on transcript NM_006361.6 (MANE Select); coding-DNA position 159, G replaced by T.
Protein change: p.Leu53=; no amino-acid change (leucine 53 retained).
Molecular consequence: synonymous variant.
Genome position (GRCh38, 1-based): chr17:48,728,435, C>A on the plus strand (G>T on the coding strand, the complement: HOXB13 is on the minus strand). VCF-style: chr17-48728435-C-A. GRCh37 (hg19) VCF-style: chr17-46805797-C-A.
Identifiers: ClinVar variation 819608 (VCV000819608.16), dbSNP rs1265294177, ClinGen allele CA500502688.

ClinVar aggregate classification (germline): Conflicting classifications of pathogenicity. Review status: criteria provided, conflicting classifications (1 of 4 stars). 5 submissions from 5 submitters: Uncertain significance (1); Benign (1); Likely benign (3). Last evaluated 2025-10-06.

Conditions:
HOXB13-related disorder. Also called: HOXB13-related disorders; HOXB13-related condition.
Hereditary cancer-predisposing syndrome. Also called: Neoplastic Syndromes, Hereditary; Hereditary Cancer Syndrome; Tumor predisposition; Hereditary neoplastic syndrome. Identifiers: Orphanet 140162, MedGen C0027672, MeSH D009386, MONDO:0015356.
Prostate cancer, hereditary, 9 (HPC9). Identifiers: Orphanet 1331, MedGen C1970250, MONDO:0012597, OMIM 610997.

Allele frequency attached by ClinVar (database versions not stated): gnomAD exomes below 0.00001.

Submissions (5):

Labcorp Genetics (formerly Invitae), Labcorp
Classification: Likely benign. Last evaluated: 2025-10-06. Review status: criteria provided, single submitter. Criteria: Invitae Variant Classification Sherloc (09022015). Collection method: clinical testing. Allele origin: germline.

Myriad Genetics, Inc.
Classification: Benign for Prostate cancer, hereditary, 9. Last evaluated: 2024-10-29. Review status: criteria provided, single submitter. Criteria: Myriad Autosomal Dominant, Autosomal Recessive and X-Linked Classification Criteria (2023). Collection method: clinical testing. Allele origin: unknown.
Comment: This variant is considered benign. This variant is a silent/synonymous amino acid change and it is not expected to impact splicing.

PreventionGenetics, part of Exact Sciences
Classification: Likely benign for HOXB13-related condition. Last evaluated: 2024-10-17. Review status: criteria provided, single submitter. Criteria: ACMG Guidelines, 2015. Collection method: clinical testing. Allele origin: germline.
Comment: This variant is classified as likely benign based on ACMG/AMP sequence variant interpretation guidelines (Richards et al. 2015 PMID: 25741868, with internal and published modifications).

Quest Diagnostics Nichols Institute San Juan Capistrano
Classification: Uncertain significance. Last evaluated: 2023-08-21. Review status: criteria provided, single submitter. Criteria: Quest Diagnostics criteria. Collection method: clinical testing. Allele origin: unknown.
Comment: To the best of our knowledge, this variant has not been reported in the published literature. It also has not been reported in large, multi-ethnic general populations (Genome Aggregation Database). Analysis of this variant using software algorithms for the prediction of the effect of nucleotide changes on splicing yielded predictions that this variant does not affect HOXB13 mRNA splicing . Based on the available information, we are unable to determine the clinical significance of this variant.

Ambry Genetics
Classification: Likely benign for Hereditary cancer-predisposing syndrome. Last evaluated: 2019-07-30. Review status: criteria provided, single submitter. Criteria: Ambry Variant Classification Scheme 2023. Collection method: clinical testing. Allele origin: germline.